The following is an entry in ClinVar:

ClinVar aggregate classification (germline): Uncertain significance (1 of 4 stars; one submission).

Conditions:
Torsion dystonia 6 (DYT6). Also called: DYT-THAP1. Identifiers: Orphanet 98806, MedGen C1414216, MONDO:0011264, OMIM 602629.

Submission:

Labcorp Genetics (formerly Invitae), Labcorp
Classification: Uncertain significance for Torsion dystonia 6. Last evaluated: 2024-07-24. Review status: criteria provided, single submitter. Criteria: Invitae Variant Classification Sherloc (09022015). Collection method: clinical testing. Allele origin: germline.
Comment: This sequence change replaces glutamine, which is neutral and polar, with glutamic acid, which is acidic and polar, at codon 154 of the THAP1 protein (p.Gln154Glu). This variant is not present in population databases (gnomAD no frequency). This variant has not been reported in the literature in individuals affected with THAP1-related conditions. An algorithm developed to predict the effect of missense changes on protein structure and function outputs the following: PolyPhen-2: "Benign". The glutamic acid amino acid residue is found in multiple mammalian species, which suggests that this missense change does not adversely affect protein function. In summary, the available evidence is currently insufficient to determine the role of this variant in disease. Therefore, it has been classified as a Variant of Uncertain Significance.

NM_018105.3(THAP1):c.460C>G (p.Gln154Glu)

Gene: THAP1 (THAP domain containing 1; minus strand). Cytogenetic location: 8p11.21.
Variant type: single nucleotide variant.
Coding change: c.460C>G on transcript NM_018105.3 (MANE Select); coding-DNA position 460, C replaced by G.
Protein change: p.Gln154Glu; replaces glutamine 154 with glutamic acid.
Molecular consequence: missense variant. On other transcripts: 3 prime UTR variant (1).
Genome position (GRCh38, 1-based): chr8:42,838,144, G>C on the plus strand (C>G on the coding strand, the complement: THAP1 is on the minus strand). VCF-style: chr8-42838144-G-C. GRCh37 (hg19) VCF-style: chr8-42693287-G-C.
Other names: c.*102C>G (NM_199003.2); short protein forms Q154E.
Identifiers: ClinVar variation 3704665 (VCV003704665.2).